The following is an entry in ClinVar:

ClinVar aggregate classification (germline): Uncertain significance (1 of 4 stars; one submission).

gnomAD v4.1: 21 of 1,614,030 alleles (0.0013%); highest among the groups gnomAD compares: Non-Finnish European, 0.0013%; no homozygotes.

Submission:

Labcorp Genetics (formerly Invitae), Labcorp
Classification: Uncertain significance. Last evaluated: 2025-08-11. Review status: criteria provided, single submitter. Criteria: Invitae Variant Classification Sherloc (09022015). Collection method: clinical testing. Allele origin: germline.
Comment: This sequence change replaces arginine, which is basic and polar, with cysteine, which is neutral and slightly polar, at codon 111 of the TNFRSF11B protein (p.Arg111Cys). This variant is present in population databases (rs201167408, gnomAD 0.02%). This variant has not been reported in the literature in individuals affected with TNFRSF11B-related conditions. ClinVar contains an entry for this variant (Variation ID: 2159159). Invitae Evidence Modeling of protein sequence and biophysical properties (such as structural, functional, and spatial information, amino acid conservation, physicochemical variation, residue mobility, and thermodynamic stability) indicates that this missense variant is expected to disrupt TNFRSF11B protein function with a positive predictive value of 80%. In summary, the available evidence is currently insufficient to determine the role of this variant in disease. Therefore, it has been classified as a Variant of Uncertain Significance.

NM_002546.4(TNFRSF11B):c.331C>T (p.Arg111Cys)

Gene: TNFRSF11B (TNF receptor superfamily member 11b; minus strand). Cytogenetic location: 8q24.12.
Variant type: single nucleotide variant.
Coding change: c.331C>T on transcript NM_002546.4 (MANE Select); coding-DNA position 331, C replaced by T.
Protein change: p.Arg111Cys; replaces arginine 111 with cysteine.
Molecular consequence: missense variant.
Genome position (GRCh38, 1-based): chr8:118,933,000, G>A on the plus strand (C>T on the coding strand, the complement: TNFRSF11B is on the minus strand). VCF-style: chr8-118933000-G-A. GRCh37 (hg19) VCF-style: chr8-119945239-G-A.
Other names: short protein forms R111C.
Identifiers: ClinVar variation 2159159 (VCV002159159.4), dbSNP rs201167408, ClinGen allele CA4854944.